The following is an entry in ClinVar:

ClinVar aggregate classification (germline): Uncertain significance (1 of 4 stars; one submission).

Allele frequency attached by ClinVar (database versions not stated): gnomAD exomes below 0.00001; gnomAD 0.00001.
gnomAD v4.1: 3 of 1,613,902 alleles (0.00019%); highest among the groups gnomAD compares: South Asian, 0.0033%; no homozygotes.

Submission:

Labcorp Genetics (formerly Invitae), Labcorp
Classification: Uncertain significance. Last evaluated: 2021-06-22. Review status: criteria provided, single submitter. Criteria: Invitae Variant Classification Sherloc (09022015). Collection method: clinical testing. Allele origin: germline.
Comment: This sequence change replaces alanine with valine at codon 3438 of the USH2A protein (p.Ala3438Val). The alanine residue is weakly conserved and there is a small physicochemical difference between alanine and valine. This variant is not present in population databases (ExAC no frequency). This variant has not been reported in the literature in individuals with USH2A-related conditions. Algorithms developed to predict the effect of missense changes on protein structure and function output the following: SIFT: "Tolerated"; PolyPhen-2: "Benign"; Align-GVGD: "Class C0". The valine amino acid residue is found in multiple mammalian species, suggesting that this missense change does not adversely affect protein function. These predictions have not been confirmed by published functional studies and their clinical significance is uncertain. Algorithms developed to predict the effect of sequence changes on RNA splicing suggest that this variant may create or strengthen a splice site, but this prediction has not been confirmed by published transcriptional studies. In summary, the available evidence is currently insufficient to determine the role of this variant in disease. Therefore, it has been classified as a Variant of Uncertain Significance.

NM_206933.4(USH2A):c.10313C>T (p.Ala3438Val)

Gene: USH2A (usherin; minus strand). Cytogenetic location: 1q41.
Variant type: single nucleotide variant.
Coding change: c.10313C>T on transcript NM_206933.4 (MANE Select); coding-DNA position 10313, C replaced by T.
Protein change: p.Ala3438Val; replaces alanine 3438 with valine.
Molecular consequence: missense variant.
Genome position (GRCh38, 1-based): chr1:215,786,744, G>A on the plus strand (C>T on the coding strand, the complement: USH2A is on the minus strand). VCF-style: chr1-215786744-G-A. GRCh37 (hg19) VCF-style: chr1-215960086-G-A.
Other names: short protein forms A3438V.
Identifiers: ClinVar variation 2146766 (VCV002146766.1), dbSNP rs1319722709, ClinGen allele CA344839813.